The following is an entry in ClinVar:

ClinVar aggregate classification (germline): Benign/Likely benign. Review status: criteria provided, multiple submitters, no conflicts (2 of 4 stars). 7 submissions from 7 submitters: Benign (4); Likely benign (3). Last evaluated 2024-11-26.

Conditions:
Dystonia 16 (DYT16). Also called: DYT-PRKRA. Identifiers: Orphanet 210571, MedGen C2677567, MONDO:0012789, OMIM 612067.

Allele frequency attached by ClinVar (database versions not stated): ESP Exome Variant Server 0.08158; 1000 Genomes Project 30x 0.12258; gnomAD exomes 0.13224 and 0.16748; gnomAD 0.13676 and 0.13704; ExAC 0.16294.
gnomAD v4.1: 259,697 of 1,578,964 alleles (16%); highest among the groups gnomAD compares: Middle Eastern, 20%; 17 homozygotes.

Submissions (7):

Blueprint Genetics
Classification: Likely benign. Last evaluated: 2024-11-26. Review status: criteria provided, single submitter. Criteria: ACMG Guidelines, 2015. Collection method: clinical testing. Allele origin: germline.

Mendelics
Classification: Likely benign. Last evaluated: 2022-05-04. Review status: criteria provided, single submitter. Criteria: Mendelics Assertion Criteria 2019. Collection method: clinical testing. Allele origin: germline.

Mayo Clinic Laboratories, Mayo Clinic
Classification: Benign. Last evaluated: 2022-03-24. Review status: criteria provided, single submitter. Criteria: ACMG Guidelines, 2015. Collection method: clinical testing. Allele origin: germline. Observed: 219 variant alleles.

Labcorp Genetics (formerly Invitae), Labcorp
Classification: Benign for Dystonia 16. Last evaluated: 2019-06-27. Review status: criteria provided, single submitter. Criteria: Invitae Variant Classification Sherloc (09022015). Collection method: clinical testing. Allele origin: germline.

GeneDx
Classification: Benign. Last evaluated: 2018-07-14. Review status: criteria provided, single submitter. Criteria: GeneDx Variant Classification Process June 2021. Collection method: clinical testing. Allele origin: germline. Affected: yes.

Illumina Laboratory Services, Illumina
Classification: Benign for Dystonia 16. Last evaluated: 2018-01-12. Review status: criteria provided, single submitter. Criteria: ICSL Variant Classification Criteria 13 December 2019. Collection method: clinical testing. Allele origin: germline.
Comment: This variant was observed in the ICSL laboratory as part of a predisposition screen in an ostensibly healthy population. It had not been previously curated by ICSL or reported in the Human Gene Mutation Database (HGMD: prior to June 1st, 2018), and was therefore a candidate for classification through an automated scoring system. Utilizing variant allele frequency, disease prevalence and penetrance estimates, and inheritance mode, an automated score was calculated to assess if this variant is too frequent to cause the disease. Based on the score and internal cut-off values, a variant classified as benign is not then subjected to further curation. The score for this variant resulted in a classification of benign for this disease.

Breakthrough Genomics
Classification: Likely benign. Review status: criteria provided, single submitter. Criteria: ACMG Guidelines, 2015. Collection method: not provided. Allele origin: germline. Inheritance: Autosomal recessive inheritance. Affected: yes.

NM_003690.5(PRKRA):c.677T>A (p.Ile226Asn)

Genes: CHROMR (cholesterol induced regulator of metabolism RNA; plus strand), PRKRA (protein activator of interferon induced protein kinase EIF2AK2; minus strand). Cytogenetic location: 2q31.2.
Variant type: single nucleotide variant.
Coding change: c.677T>A on transcript NM_003690.5 (MANE Select); coding-DNA position 677, T replaced by A.
Protein change: p.Ile226Asn; replaces isoleucine 226 with asparagine.
Molecular consequence: missense variant.
Genome position (GRCh38, 1-based): chr2:178,436,252, A>T on the plus strand (T>A on the coding strand, the complement: PRKRA is on the minus strand). VCF-style: chr2-178436252-A-T. GRCh37 (hg19) VCF-style: chr2-179300979-A-T.
Other names: p.Ile226Asn; c.644T>A, p.Ile215Asn (NM_001139517.2); c.602T>A, p.Ile201Asn (NM_001139518.2); c.338T>A, p.Ile113Asn (NM_001316362.2); short protein forms I226N, I201N, I215N, I113N.
Identifiers: ClinVar variation 332624 (VCV000332624.19), dbSNP rs77419724, ClinGen allele CA1983795.